The following is an entry in ClinVar:

NM_001042492.3(NF1):c.1261T>A (p.Ser421Thr)

Gene: NF1 (neurofibromin 1; plus strand). Cytogenetic location: 17q11.2.
Variant type: single nucleotide variant.
Coding change: c.1261T>A on transcript NM_001042492.3 (MANE Select); coding-DNA position 1261, T replaced by A.
Protein change: p.Ser421Thr; replaces serine 421 with threonine.
Molecular consequence: missense variant.
Genome position (GRCh38, 1-based): chr17:31,206,240, T>A. VCF-style: chr17-31206240-T-A. GRCh37 (hg19) VCF-style: chr17-29533258-T-A.
Other names: c.1261T>A, p.Ser421Thr (NM_000267.4, NM_001128147.3); short protein forms S421T.
Identifiers: ClinVar variation 1024900 (VCV001024900.5), dbSNP rs878853864, ClinGen allele CA398999051.

ClinVar aggregate classification (germline): Uncertain significance (1 of 4 stars; one submission).

Conditions:
Neurofibromatosis, type 1 (NF1). Also called: Peripheral type neurofibromatosis; Neurofibromatosis, type I; VON RECKLINGHAUSEN DISEASE; NEUROFIBROMATOSIS, TYPE I, SOMATIC. Identifiers: Orphanet 636, MedGen C0027831, MONDO:0018975, OMIM 162200. Disease mechanism: loss of function.

Submission:

Labcorp Genetics (formerly Invitae), Labcorp
Classification: Uncertain significance for Neurofibromatosis, type 1. Last evaluated: 2020-03-23. Review status: criteria provided, single submitter. Criteria: Invitae Variant Classification Sherloc (09022015). Collection method: clinical testing. Allele origin: germline.
Comment: In summary, the available evidence is currently insufficient to determine the role of this variant in disease. Therefore, it has been classified as a Variant of Uncertain Significance. Algorithms developed to predict the effect of missense changes on protein structure and function are either unavailable or do not agree on the potential impact of this missense change (SIFT: "Tolerated"; PolyPhen-2: "Possibly Damaging"; Align-GVGD: "Class C0"). This variant has not been reported in the literature in individuals with NF1-related conditions. This variant is not present in population databases (ExAC no frequency). This sequence change replaces serine with threonine at codon 421 of the NF1 protein (p.Ser421Thr). The serine residue is highly conserved and there is a small physicochemical difference between serine and threonine.